The following is an entry in ClinVar:

NM_016239.4(MYO15A):c.6280C>T (p.Arg2094Cys)

Gene: MYO15A (myosin XVA; plus strand). Cytogenetic location: 17p11.2.
Variant type: single nucleotide variant.
Coding change: c.6280C>T on transcript NM_016239.4 (MANE Select); coding-DNA position 6280, C replaced by T.
Protein change: p.Arg2094Cys; replaces arginine 2094 with cysteine.
Molecular consequence: missense variant.
Genome position (GRCh38, 1-based): chr17:18,145,878, C>T. VCF-style: chr17-18145878-C-T. GRCh37 (hg19) VCF-style: chr17-18049192-C-T.
Other names: short protein forms R2094C.
Identifiers: ClinVar variation 4689334 (VCV004689334.1).

ClinVar aggregate classification (germline): Uncertain significance (1 of 4 stars; one submission).

gnomAD v4.1: 13 of 1,613,160 alleles (0.00081%); highest among the groups gnomAD compares: African/African-American, 0.0013%; no homozygotes.

Submission:

Women's Health and Genetics/Laboratory Corporation of America, LabCorp
Classification: Uncertain significance. Last evaluated: 2026-01-16. Review status: criteria provided, single submitter. Criteria: LabCorp Variant Classification Summary - May 2015. Collection method: clinical testing. Allele origin: germline.
Comment: Variant summary: MYO15A c.6280C>T (p.Arg2094Cys) results in a non-conservative amino acid change in the encoded protein sequence. Algorithms developed to predict the effect of missense changes on protein structure and function all suggest that this variant is likely to be disruptive. The variant allele was found at a frequency of 4e-06 in 247108 control chromosomes. The available data on variant occurrences in the general population are insufficient to allow any conclusion about variant significance. To our knowledge, no occurrence of c.6280C>T in individuals affected with MYO15A-related conditions and no experimental evidence demonstrating its impact on protein function have been reported. No submitters have cited clinical-significance assessments for this variant to ClinVar. Based on the evidence outlined above, the variant was classified as uncertain significance.